The following is an entry in ClinVar:

NM_001257180.2(SLC20A2):c.1832G>A (p.Arg611His)

Gene: SLC20A2 (solute carrier family 20 member 2; minus strand). Cytogenetic location: 8p11.21.
Variant type: single nucleotide variant.
Coding change: c.1832G>A on transcript NM_001257180.2 (MANE Select); coding-DNA position 1832, G replaced by A.
Protein change: p.Arg611His; replaces arginine 611 with histidine.
Molecular consequence: missense variant.
Genome position (GRCh38, 1-based): chr8:42,417,930, C>T on the plus strand (G>A on the coding strand, the complement: SLC20A2 is on the minus strand). VCF-style: chr8-42417930-C-T. GRCh37 (hg19) VCF-style: chr8-42275448-C-T.
Other names: c.1832G>A, p.Arg611His (NM_001257181.2, NM_006749.5); short protein forms R611H.
Identifiers: ClinVar variation 3369669 (VCV003369669.1).
Genomic context (GRCh38, chr8:42,417,930, plus strand): 5'-GGGACGGTCACGAACCAGGCCACGAAGATGTTCCGAAAGAGGCGCCAGTCCACAGCCTTG[C>T]GGGAGCGGATCCAGCCCACGGCCACCACCGAGCCCACCTGTGGGAGCAGACATTGCAAAG-3'
Protein context (NP_001244109.1, residues 601-621): SVVAVGWIRS[Arg611His]KAVDWRLFRN

ClinVar aggregate classification (germline): Uncertain significance (1 of 4 stars; one submission).

gnomAD v4.1: 26 of 1,613,776 alleles (0.0016%); highest among the groups gnomAD compares: South Asian, 0.0022%; no homozygotes.

Submission:

GeneDx
Classification: Uncertain significance. Last evaluated: 2024-02-22. Review status: criteria provided, single submitter. Criteria: GeneDx Variant Classification Process June 2021. Collection method: clinical testing. Allele origin: germline. Affected: yes.
Comment: Not observed at significant frequency in large population cohorts (gnomAD); In silico analysis supports that this missense variant has a deleterious effect on protein structure/function; Has not been previously published as pathogenic or benign to our knowledge